The following is an entry in ClinVar:

ClinVar aggregate classification (germline): Uncertain significance (1 of 4 stars; one submission).

Conditions:
Hereditary cancer-predisposing syndrome. Also called: Neoplastic Syndromes, Hereditary; Tumor predisposition; Hereditary Cancer Syndrome; Hereditary neoplastic syndrome. Identifiers: Orphanet 140162, MedGen C0027672, MeSH D009386, MONDO:0015356.

Submission:

Ambry Genetics
Classification: Uncertain significance for Hereditary cancer-predisposing syndrome. Last evaluated: 2025-09-25. Review status: criteria provided, single submitter. Criteria: Ambry Variant Classification Scheme 2023. Collection method: clinical testing. Allele origin: germline.
Comment: The c.197_198delTT variant, located in coding exon 1 of the CDK4 gene, results from a deletion of two nucleotides at nucleotide positions 197 to 198, causing a translational frameshift with a predicted alternate stop codon (p.F66*). This alteration is expected to result in protein truncation or nonsense-mediated mRNA decay. However, loss of function has not been established as a mechanism of disease. Based on the available evidence, the clinical significance of this alteration remains unclear.

NM_000075.4(CDK4):c.197_198del (p.Ala65_Phe66insTer)

Genes: CDK4 (cyclin dependent kinase 4; minus strand), LOC130008148 (ATAC-STARR-seq lymphoblastoid silent region 4588; plus strand). Cytogenetic location: 12q14.1.
Variant type: Deletion.
Coding change: c.197_198del on transcript NM_000075.4 (MANE Select); coding-DNA positions 197 to 198, 2 bases deleted (TT; older notation c.197_198delTT).
Protein change: p.Ala65_Phe66insTer.
Molecular consequence: nonsense.
Genome position (GRCh38, 1-based): chr12:57,751,520-57,751,521, AA deleted on the plus strand (TT on the coding strand, the reverse complement: CDK4 is on the minus strand); deleting any 2 consecutive bases within chr12:57,751,520-57,751,523 gives the same sequence; the c. name uses the placement nearest the transcript's 3' end. VCF-style (leftmost placement, unchanged base first): chr12-57751519-CAA-C. GRCh37 (hg19) VCF-style: chr12-58145302-CAA-C.
Identifiers: ClinVar variation 4633113 (VCV004633113.1).
Genomic context (GRCh38, chr12:57,751,519, plus strand): 5'-TCCCTTTACTCCCCACGCCCAACCCTCCACCACCTTCTCACCGGACAACATTGGGATGCT[CAA>C]AAGCCTCCAGTCGCCTCAGTAAAGCCACCTCACGAACTGTGCTGATGGGAAGGCCTCCTC-3'